The following is an entry in ClinVar:

ClinVar aggregate classification (germline): Uncertain significance (1 of 4 stars; one submission).

Conditions:
Aicardi-Goutieres syndrome 3. Identifiers: Orphanet 51, MedGen C1835916, MONDO:0012471, OMIM 610329.

Submission:

Labcorp Genetics (formerly Invitae), Labcorp
Classification: Uncertain significance for Aicardi-Goutieres syndrome 3. Last evaluated: 2019-11-12. Review status: criteria provided, single submitter. Criteria: Invitae Variant Classification Sherloc (09022015). Collection method: clinical testing. Allele origin: germline.
Comment: This sequence change replaces phenylalanine with leucine at codon 48 of the RNASEH2C protein (p.Phe48Leu). The phenylalanine residue is highly conserved and there is a small physicochemical difference between phenylalanine and leucine. The frequency data for this variant in the population databases is considered unreliable, as metrics indicate insufficient coverage at this position in the ExAC database. This variant has not been reported in the literature in individuals with RNASEH2C-related conditions. Algorithms developed to predict the effect of missense changes on protein structure and function are either unavailable or do not agree on the potential impact of this missense change (SIFT: "Deleterious"; PolyPhen-2: "Probably Damaging"; Align-GVGD: "Class C0"). In summary, the available evidence is currently insufficient to determine the role of this variant in disease. Therefore, it has been classified as a Variant of Uncertain Significance.

NM_032193.4(RNASEH2C):c.142T>C (p.Phe48Leu)

Genes: RNASEH2C (ribonuclease H2 subunit C; minus strand), LOC130006061 (ATAC-STARR-seq lymphoblastoid silent region 3553; plus strand). Cytogenetic location: 11q13.1.
Variant type: single nucleotide variant.
Coding change: c.142T>C on transcript NM_032193.4 (MANE Select); coding-DNA position 142, T replaced by C.
Protein change: p.Phe48Leu; replaces phenylalanine 48 with leucine.
Molecular consequence: missense variant.
Genome position (GRCh38, 1-based): chr11:65,720,617, A>G on the plus strand (T>C on the coding strand, the complement: RNASEH2C is on the minus strand). VCF-style: chr11-65720617-A-G. GRCh37 (hg19) VCF-style: chr11-65488088-A-G.
Other names: short protein forms F48L.
Identifiers: ClinVar variation 962484 (VCV000962484.10), dbSNP rs1857359953, ClinGen allele CA381299209.
Genomic context (GRCh38, chr11:65,720,617, plus strand): 5'-CGGGAGCCGTAGTCCGGCCGCAGGGCTCACCCTCGGGGCCCTGGCGGATGGCGGGCGTGA[A>G]GAAGCGCCCCACCGGGGCGGGCCCGTCCACCGCAACCTCGCAGGGCAGCAGATGCAGTGT-3'
Protein context (NP_115569.2, residues 38-58): VDGPAPVGRF[Phe48Leu]TPAIRQGPEG